The following is an entry in ClinVar:

ClinVar aggregate classification (germline): Likely pathogenic (1 of 4 stars; one submission).

Conditions:
Fabry disease. Also called: Fabry's disease; ALPHA-GALACTOSIDASE A DEFICIENCY; ANDERSON-FABRY DISEASE; CERAMIDE TRIHEXOSIDASE DEFICIENCY; GLA DEFICIENCY; HEREDITARY DYSTOPIC LIPIDOSIS. Identifiers: Orphanet 324, MedGen C0002986, MONDO:0010526, OMIM 301500, HP:0001071. Disease mechanism: Fabry disease is due to inactivating mutations in the X-linked GLA gene resulting in deficiency of the enzyme Alpha Galactosidase-A., loss of function.

Submission:

Genomenon, Inc
Classification: Likely pathogenic for Fabry disease. Last evaluated: 2026-09-08. Review status: criteria provided, single submitter. Criteria: Genomenon Sequence Variant Interpretation Standards - Updated. Collection method: curation. Allele origin: germline. Affected: no.
Comment: GLA p.Leu294TyrfsTer23 (c.881del) is a frameshift variant that is predicted to introduce a premature termination codon and result in a truncated or absent protein product. This variant has been reported in the published literature (PMID:27657681). It is absent or not present at a significant frequency in gnomAD. In conclusion, we classify GLA p.Leu294TyrfsTer23 (c.881del) as a likely pathogenic variant.

Literature cited by the submitters: PubMed 27657681.

NM_000169.3(GLA):c.881del (p.Leu294fs)

Genes: GLA (galactosidase alpha; minus strand), RPL36A-HNRNPH2 (RPL36A-HNRNPH2 readthrough; plus strand). Cytogenetic location: Xq22.1.
Variant type: Deletion.
Coding change: c.881del on transcript NM_000169.3 (MANE Select); coding-DNA position 881, one base deleted (T; older notation c.881delT).
Protein change: p.Leu294fs; shifts the reading frame from leucine 294.
Molecular consequence: frameshift variant. On other transcripts: non-coding transcript variant (3), intron variant (2).
Genome position (GRCh38, 1-based): chrX:101,398,488, A deleted on the plus strand (T on the coding strand, the reverse complement: GLA is on the minus strand); the first of 3 consecutive A bases (chrX:101,398,488-101,398,490); deleting any one gives the same sequence. VCF-style (leftmost placement, unchanged base first): chrX-101398487-TA-T. GRCh37 (hg19) VCF-style: chrX-100653475-TA-T.
Other names: c.1004del, p.Leu335fs (NM_001406747.1); c.881del, p.Leu294fs (NM_001406748.1); c.300+3033del (NM_001199973.2); c.177+6668del (NM_001199974.2); short protein forms L294fs, L335fs.
Identifiers: ClinVar variation 4974826 (VCV004974826.1).